The following is an entry in ClinVar:

NM_001195553.2(DCX):c.-22-395G>A

Gene: DCX (doublecortin; minus strand). Cytogenetic location: Xq23.
Variant type: single nucleotide variant.
Coding change: c.-22-395G>A on transcript NM_001195553.2 (MANE Select); 395 bases into the intron before 22 bases upstream of the start codon, G replaced by A.
Molecular consequence: intron variant. On other transcripts: missense variant (1).
Genome position (GRCh38, 1-based): chrX:111,410,815, C>T on the plus strand (G>A on the coding strand, the complement: DCX is on the minus strand). VCF-style: chrX-111410815-C-T. GRCh37 (hg19) VCF-style: chrX-110654043-C-T.
Other names: c.160G>A, p.Glu54Lys (NM_000555.3); c.-22-395G>A (NM_001369373.1, NM_178153.3, NM_001369372.1 and 5 more transcripts); short protein forms E54K.
Identifiers: ClinVar variation 3054266 (VCV003054266.3), dbSNP rs267606318, ClinGen allele CA10493369.
Genomic context (GRCh38, chrX:111,410,815, plus strand): 5'-GACAGTGGCTCCTATCAAATTGGAACTTCGGGCTAAATACATTAAAACTGGCATCTGTTT[C>T]CTCACACATGCCCACATGACTAACAGTTGTAAATGAATCCATAGCCTGACAAAATTCCCC-3'

ClinVar aggregate classification (germline): Likely benign. Review status: criteria provided, single submitter (1 of 4 stars). 2 submissions from 2 submitters: Likely benign (1). 1 of the submissions does not count toward it. Last evaluated 2026-09-08.

Conditions:
Inborn genetic diseases. Identifiers: MedGen C0950123, MeSH D030342.
DCX-related disorder. Also called: DCX-related condition; DCX-Related Disorders. Identifiers: MedGen CN381525.

Allele frequency attached by ClinVar (database versions not stated): TOPMed 0.00011; gnomAD exomes 0.00012; gnomAD 0.00013; ExAC 0.00017.
gnomAD v4.1: 145 of 1,208,913 alleles (0.012%); highest among the groups gnomAD compares: Non-Finnish European, 0.016%; 1 homozygote.

Submissions (2):

Ambry Genetics
Classification: Likely benign for Inborn genetic diseases. Last evaluated: 2026-09-08. Review status: criteria provided, single submitter. Criteria: Ambry Variant Classification Scheme 2023. Collection method: clinical testing. Allele origin: germline.

PreventionGenetics, part of Exact Sciences
Classification: Likely benign for DCX-related condition. Last evaluated: 2023-04-20. Review status: no assertion criteria provided. Collection method: clinical testing. Allele origin: germline. Not counted in ClinVar's aggregate classification.
Comment: This variant is classified as likely benign based on ACMG/AMP sequence variant interpretation guidelines (Richards et al. 2015 PMID: 25741868, with internal and published modifications).